The following is an entry in ClinVar:

ClinVar aggregate classification (germline): Uncertain significance (1 of 4 stars; one submission).

Submission:

CeGaT Center for Human Genetics Tuebingen
Classification: Uncertain significance. Last evaluated: 2025-10-01. Review status: criteria provided, single submitter. Criteria: CeGaT Center For Human Genetics Tuebingen Variant Classification Criteria Version 2. Collection method: clinical testing. Allele origin: germline. Affected: yes. Observed: 1 variant allele.
Comment: MYH14: PM2, PVS1:Moderate

NM_001145809.2(MYH14):c.5470-2A>G

Gene: MYH14 (myosin heavy chain 14; plus strand). Cytogenetic location: 19q13.33.
Variant type: single nucleotide variant.
Coding change: c.5470-2A>G on transcript NM_001145809.2 (MANE Select); the canonical splice acceptor site of the intron before coding-DNA position 5470, A replaced by G.
Molecular consequence: splice acceptor variant.
Genome position (GRCh38, 1-based): chr19:50,301,659, A>G. VCF-style: chr19-50301659-A-G. GRCh37 (hg19) VCF-style: chr19-50804916-A-G.
Other names: c.5371-2A>G (NM_001077186.2); c.5347-2A>G (NM_024729.4).
Identifiers: ClinVar variation 4534672 (VCV004534672.6).